The following is an entry in ClinVar:

Conditions:
Breast-ovarian cancer, familial, susceptibility to, 1 (BROVCA1). Also called: BRCA1 Hereditary Breast and Ovarian Cancer; OVARIAN CANCER, SUSCEPTIBILITY TO. Identifiers: Orphanet 145, MedGen C2676676, MONDO:0011450, OMIM 604370. Disease mechanism: loss of function.

Submission:

Brotman Baty Institute, University of Washington
No classification provided (evidence only). Condition: Breast-ovarian cancer, familial 1. Review status: no classification provided. Collection method: in vitro. Allele origin: not applicable. Functional consequence: functionally_normal.
ClinVar note: "not provided" was previously submitted as the classification for the variant. However, the classification appeared to be based only on an observation of functional data so it was converted to no classification on 2025-07-30.

NM_007294.4(BRCA1):c.5377A>G (p.Lys1793Glu)

Gene: BRCA1 (BRCA1 DNA repair associated; minus strand). Cytogenetic location: 17q21.31.
Variant type: single nucleotide variant.
Coding change: c.5377A>G on transcript NM_007294.4 (MANE Select); coding-DNA position 5377, A replaced by G.
Protein change: p.Lys1793Glu; replaces lysine 1793 with glutamic acid.
Molecular consequence: missense variant. On other transcripts: non-coding transcript variant (1), intron variant (1).
Genome position (GRCh38, 1-based): chr17:43,049,150, T>C on the plus strand (A>G on the coding strand, the complement: BRCA1 is on the minus strand). VCF-style: chr17-43049150-T-C. GRCh37 (hg19) VCF-style: chr17-41201167-T-C.
Other names: c.5164A>G, p.Lys1722Glu (NM_001407571.1, NM_001407894.1, NM_001407895.1 and 12 more transcripts); c.5443A>G, p.Lys1815Glu (NM_001407581.1, NM_001407582.1); c.5440A>G, p.Lys1814Glu (NM_001407583.1, NM_001407585.1, NM_001407587.1 and 1 more transcripts); c.5437A>G, p.Lys1813Glu (NM_001407590.1, NM_001407591.1); c.5377A>G, p.Lys1793Glu (NM_001407593.1, NM_001407594.1, NM_001407596.1 and 5 more transcripts); c.5374A>G, p.Lys1792Glu (NM_001407617.1, NM_001407618.1, NM_001407619.1 and 14 more transcripts); c.5371A>G, p.Lys1791Glu (NM_001407636.1, NM_001407637.1, NM_001407638.1 and 13 more transcripts); c.5368A>G, p.Lys1790Glu (NM_001407644.1, NM_001407645.1); and 73 more; short protein forms K1746E, K689E, K1814E, K1793E, K1680E, K1721E, K1722E, K1723E.
Identifiers: ClinVar variation 865395 (VCV000865395.3), dbSNP rs397509274, ClinGen allele CA10590718.
Genomic context (GRCh38, chr17:43,049,150, plus strand): 5'-CTCCCTCTCTGACAGGGCACCCAATACTTACTGTGCCAAGGGTGAATGATGAAAGCTCCT[T>C]CACCACAGAAGCACCACACAGCTGTACCATCCATTCCAGTTGATCTAAAATGGACATTTA-3'
Protein context (NP_009225.1, residues 1783-1803): MVQLCGASVV[Lys1793Glu]ELSSFTLGTG